The following is an entry in ClinVar:

NM_006231.4(POLE):c.2627T>C (p.Phe876Ser)

Gene: POLE (DNA polymerase epsilon, catalytic subunit; minus strand). Cytogenetic location: 12q24.33.
Variant type: single nucleotide variant.
Coding change: c.2627T>C on transcript NM_006231.4 (MANE Select); coding-DNA position 2627, T replaced by C.
Protein change: p.Phe876Ser; replaces phenylalanine 876 with serine.
Molecular consequence: missense variant.
Genome position (GRCh38, 1-based): chr12:132,664,083, A>G on the plus strand (T>C on the coding strand, the complement: POLE is on the minus strand). VCF-style: chr12-132664083-A-G. GRCh37 (hg19) VCF-style: chr12-133240669-A-G.
Other names: short protein forms F876S.
Identifiers: ClinVar variation 4862326 (VCV004862326.1).

ClinVar aggregate classification (germline): Uncertain significance (1 of 4 stars; one submission).

Conditions:
Hereditary cancer-predisposing syndrome. Also called: Neoplastic Syndromes, Hereditary; Tumor predisposition; Hereditary Cancer Syndrome; Hereditary neoplastic syndrome. Identifiers: Orphanet 140162, MedGen C0027672, MeSH D009386, MONDO:0015356.

Submission:

Ambry Genetics
Classification: Uncertain significance for Hereditary cancer-predisposing syndrome. Last evaluated: 2026-05-21. Review status: criteria provided, single submitter. Criteria: Ambry Variant Classification Scheme 2023. Collection method: clinical testing. Allele origin: germline.
Comment: The p.F876S variant (also known as c.2627T>C), located in coding exon 23 of the POLE gene, results from a T to C substitution at nucleotide position 2627. The phenylalanine at codon 876 is replaced by serine, an amino acid with highly dissimilar properties. This amino acid position is conserved. In addition, the in silico prediction for this alteration is inconclusive. Based on the available evidence, the clinical significance of this variant remains unclear.